The following is an entry in ClinVar:

ClinVar aggregate classification (germline): Uncertain significance. Review status: criteria provided, multiple submitters, no conflicts (2 of 4 stars). 2 submissions from 2 submitters: Uncertain significance (2). Last evaluated 2025-12-11.

Conditions:
Cardiovascular phenotype. Identifiers: MedGen CN230736.
Dilated cardiomyopathy 1DD (CMD1DD). Identifiers: Orphanet 154, MedGen C2750995, MONDO:0013168, OMIM 613172.

Allele frequency attached by ClinVar (database versions not stated): gnomAD exomes below 0.00001.
gnomAD v4.1: 1 of 1,552,008 alleles (0.000064%); highest among the groups gnomAD compares: Non-Finnish European, 0.000087%; no homozygotes.

Submissions (2):

Ambry Genetics
Classification: Uncertain significance for Cardiovascular phenotype. Last evaluated: 2025-12-11. Review status: criteria provided, single submitter. Criteria: Ambry Variant Classification Scheme 2023. Collection method: clinical testing. Allele origin: germline.

Labcorp Genetics (formerly Invitae), Labcorp
Classification: Uncertain significance for Dilated cardiomyopathy 1DD. Last evaluated: 2022-07-02. Review status: criteria provided, single submitter. Criteria: Invitae Variant Classification Sherloc (09022015). Collection method: clinical testing. Allele origin: germline.
Comment: In summary, the available evidence is currently insufficient to determine the role of this variant in disease. Therefore, it has been classified as a Variant of Uncertain Significance. Advanced modeling of protein sequence and biophysical properties (such as structural, functional, and spatial information, amino acid conservation, physicochemical variation, residue mobility, and thermodynamic stability) performed at Invitae indicates that this missense variant is expected to disrupt RBM20 protein function. This variant has not been reported in the literature in individuals affected with RBM20-related conditions. This variant is not present in population databases (gnomAD no frequency). This sequence change replaces alanine, which is neutral and non-polar, with serine, which is neutral and polar, at codon 579 of the RBM20 protein (p.Ala579Ser).

NM_001134363.3(RBM20):c.1735G>T (p.Ala579Ser)

Gene: RBM20 (RNA binding motif protein 20; plus strand). Cytogenetic location: 10q25.2.
Variant type: single nucleotide variant.
Coding change: c.1735G>T on transcript NM_001134363.3 (MANE Select); coding-DNA position 1735, G replaced by T.
Protein change: p.Ala579Ser; replaces alanine 579 with serine.
Molecular consequence: missense variant.
Genome position (GRCh38, 1-based): chr10:110,799,853, G>T. VCF-style: chr10-110799853-G-T. GRCh37 (hg19) VCF-style: chr10-112559611-G-T.
Other names: short protein forms A579S.
Identifiers: ClinVar variation 1979839 (VCV001979839.5), dbSNP rs2493449172, ClinGen allele CA378390776.